The following is an entry in ClinVar:

NM_020458.4(TTC7A):c.308A>G (p.Lys103Arg)

Gene: TTC7A (tetratricopeptide repeat domain 7A; plus strand). Cytogenetic location: 2p21.
Variant type: single nucleotide variant.
Coding change: c.308A>G on transcript NM_020458.4 (MANE Select); coding-DNA position 308, A replaced by G.
Protein change: p.Lys103Arg; replaces lysine 103 with arginine.
Molecular consequence: missense variant. On other transcripts: 5 prime UTR variant (1).
Genome position (GRCh38, 1-based): chr2:46,950,486, A>G. VCF-style: chr2-46950486-A-G. GRCh37 (hg19) VCF-style: chr2-47177625-A-G.
Other names: c.308A>G, p.Lys103Arg (NM_001288951.2); c.206A>G, p.Lys69Arg (NM_001288953.2); c.-597A>G (NM_001288955.2); short protein forms K103R, K69R.
Identifiers: ClinVar variation 1376789 (VCV001376789.7), dbSNP rs1385338357, ClinGen allele CA346717647.

ClinVar aggregate classification (germline): Uncertain significance (1 of 4 stars; one submission).

Conditions:
Multiple gastrointestinal atresias. Also called: FAMILIAL INTESTINAL POLYATRESIA SYNDROME; Multiple intestinal atresia. Identifiers: Orphanet 2300, MedGen C0220744, MONDO:0009465.

Allele frequency attached by ClinVar (database versions not stated): gnomAD exomes below 0.00001; TOPMed below 0.00001; gnomAD 0.00001.

Submission:

Labcorp Genetics (formerly Invitae), Labcorp
Classification: Uncertain significance for Multiple gastrointestinal atresias. Last evaluated: 2024-02-17. Review status: criteria provided, single submitter. Criteria: Invitae Variant Classification Sherloc (09022015). Collection method: clinical testing. Allele origin: germline.
Comment: This sequence change replaces lysine, which is basic and polar, with arginine, which is basic and polar, at codon 103 of the TTC7A protein (p.Lys103Arg). This variant is present in population databases (no rsID available, gnomAD 0.003%). This variant has not been reported in the literature in individuals affected with TTC7A-related conditions. ClinVar contains an entry for this variant (Variation ID: 1376789). Advanced modeling of protein sequence and biophysical properties (such as structural, functional, and spatial information, amino acid conservation, physicochemical variation, residue mobility, and thermodynamic stability) performed at Invitae indicates that this missense variant is not expected to disrupt TTC7A protein function with a negative predictive value of 80%. In summary, the available evidence is currently insufficient to determine the role of this variant in disease. Therefore, it has been classified as a Variant of Uncertain Significance.